The following is an entry in ClinVar:

ClinVar aggregate classification (germline): Pathogenic (1 of 4 stars; one submission).

Conditions:
Telangiectasia, hereditary hemorrhagic, type 2 (HHT2). Also called: ACVRL1-Related Hereditary Hemorrhagic Telangiectasia; Telangiectasia, hereditary hemorrhagic, type II. Identifiers: Orphanet 774, MedGen C1838163, MONDO:0010880, OMIM 600376. Disease mechanism: loss of function.

Submission:

Labcorp Genetics (formerly Invitae), Labcorp
Classification: Pathogenic for Telangiectasia, hereditary hemorrhagic, type 2. Last evaluated: 2023-09-29. Review status: criteria provided, single submitter. Criteria: Invitae Variant Classification Sherloc (09022015). Collection method: clinical testing. Allele origin: germline.
Comment: For these reasons, this variant has been classified as Pathogenic. Algorithms developed to predict the effect of sequence changes on RNA splicing suggest that this variant may disrupt the consensus splice site. Disruption of this splice site has been observed in individuals with hereditary hemorrhagic telangiectasia (PMID: 16705692; Invitae). This variant is not present in population databases (gnomAD no frequency). This sequence change affects a donor splice site in intron 7 of the ACVRL1 gene. It is expected to disrupt RNA splicing. Variants that disrupt the donor or acceptor splice site typically lead to a loss of protein function (PMID: 16199547), and loss-of-function variants in ACVRL1 are known to be pathogenic (PMID: 15879500).

Literature cited by the submitters: PubMed 16705692; PubMed 16199547; PubMed 15879500.

NM_000020.3(ACVRL1):c.1048+2T>C

Gene: ACVRL1 (activin A receptor like type 1; plus strand). Cytogenetic location: 12q13.13.
Variant type: single nucleotide variant.
Coding change: c.1048+2T>C on transcript NM_000020.3 (MANE Select); the canonical splice donor site of the intron after coding-DNA position 1048, T replaced by C.
Molecular consequence: splice donor variant.
Genome position (GRCh38, 1-based): chr12:51,915,502, T>C. VCF-style: chr12-51915502-T-C. GRCh37 (hg19) VCF-style: chr12-52309286-T-C.
Other names: c.1048+2T>C (NM_001406487.1, NM_001406488.1, NM_001077401.2 and 1 more transcripts); c.736+2T>C (NM_001406491.1, NM_001406490.1, NM_001406492.1 and 2 more transcripts); c.484+2T>C (NM_001406495.1).
Identifiers: ClinVar variation 2868535 (VCV002868535.3), dbSNP rs1555153172, ClinGen allele CA384901880.
Genomic context (GRCh38, chr12:51,915,502, plus strand): 5'-CTTCAAGAGCCGCAATGTGCTGGTCAAGAGCAACCTGCAGTGTTGCATCGCCGACCTGGG[T>C]GAGCCGGGCGGGGCAGGGGCGCGCCCTTCACAGGTGGGCGGAGCTTGTGCGCTCTCCTCT-3'